The following is an entry in ClinVar:

ClinVar aggregate classification (germline): Uncertain significance. Review status: criteria provided, multiple submitters, no conflicts (2 of 4 stars). 2 submissions from 2 submitters: Uncertain significance (2). Last evaluated 2024-08-09.

Conditions:
Inborn genetic diseases. Identifiers: MedGen C0950123, MeSH D030342.
Muscle AMP deaminase deficiency (MMDD). Also called: AMPD1 DEFICIENCY; ADENOSINE MONOPHOSPHATE DEAMINASE-1 DEFICIENCY, MYOPATHY DUE TO; Myoadenylate deaminase deficiency, myopathy due to; Adenosine monophosphate deaminase 1 deficiency; AMP deaminase 1 deficiency; Adenosine Monophosphate Deaminase 1. Identifiers: Orphanet 45, MedGen C3714933, MONDO:0014220, OMIM 615511.

Allele frequency attached by ClinVar (database versions not stated): ExAC 0.00002; gnomAD exomes 0.00002; TOPMed 0.00003; gnomAD 0.00004.
gnomAD v4.1: 39 of 1,613,776 alleles (0.0024%); highest among the groups gnomAD compares: Non-Finnish European, 0.0031%; no homozygotes.

Submissions (2):

Labcorp Genetics (formerly Invitae), Labcorp
Classification: Uncertain significance for Muscle AMP deaminase deficiency. Last evaluated: 2024-08-09. Review status: criteria provided, single submitter. Criteria: Invitae Variant Classification Sherloc (09022015). Collection method: clinical testing. Allele origin: germline.
Comment: This sequence change replaces alanine, which is neutral and non-polar, with threonine, which is neutral and polar, at codon 611 of the AMPD1 protein (p.Ala611Thr). This variant is present in population databases (rs767292629, gnomAD 0.007%). This variant has not been reported in the literature in individuals affected with AMPD1-related conditions. ClinVar contains an entry for this variant (Variation ID: 2462542). An algorithm developed to predict the effect of missense changes on protein structure and function (PolyPhen-2) suggests that this variant is likely to be disruptive. In summary, the available evidence is currently insufficient to determine the role of this variant in disease. Therefore, it has been classified as a Variant of Uncertain Significance.

Ambry Genetics
Classification: Uncertain significance for Inborn genetic diseases. Last evaluated: 2023-03-02. Review status: criteria provided, single submitter. Criteria: Ambry Variant Classification Scheme 2023. Collection method: clinical testing. Allele origin: germline.

NM_000036.3(AMPD1):c.1732G>A (p.Ala578Thr)

Gene: AMPD1 (adenosine monophosphate deaminase 1; minus strand). Cytogenetic location: 1p13.2.
Variant type: single nucleotide variant.
Coding change: c.1732G>A on transcript NM_000036.3 (MANE Select); coding-DNA position 1732, G replaced by A.
Protein change: p.Ala578Thr; replaces alanine 578 with threonine.
Molecular consequence: missense variant.
Genome position (GRCh38, 1-based): chr1:114,674,820, C>T on the plus strand (G>A on the coding strand, the complement: AMPD1 is on the minus strand). VCF-style: chr1-114674820-C-T. GRCh37 (hg19) VCF-style: chr1-115217441-C-T.
Other names: c.1720G>A, p.Ala574Thr (NM_001172626.2); short protein forms A578T, A574T.
Identifiers: ClinVar variation 2462542 (VCV002462542.3), dbSNP rs767292629, ClinGen allele CA1020029.
Genomic context (GRCh38, chr1:114,674,820, plus strand): 5'-AATTTAGGCCATGAGAGATATCATCTGCTATCATGAATGCTGTCATGAGATGGGTGAGGG[C>T]TCCAGCTTCTCCACAGTGAGGTCGGAACAGAAACGTATTCATGCCTCGTTCCCTGGGGAA-3'
Protein context (NP_000027.3, residues 568-588): LFRPHCGEAG[Ala578Thr]LTHLMTAFMI